The following is an entry in ClinVar:

ClinVar aggregate classification (germline): Pathogenic (1 of 4 stars; one submission).

Conditions:
Cholestanol storage disease (CTX). Also called: CTX: Cerebrotendinous xanthomatosis; CEREBRAL CHOLESTERINOSIS; Cerebrotendinous Xanthomatosis. Identifiers: Orphanet 909, MedGen C0238052, MONDO:0008948, OMIM 213700.

Submission:

Labcorp Genetics (formerly Invitae), Labcorp
Classification: Pathogenic for Cholestanol storage disease. Last evaluated: 2022-04-23. Review status: criteria provided, single submitter. Criteria: Invitae Variant Classification Sherloc (09022015). Collection method: clinical testing. Allele origin: germline.
Comment: This sequence change creates a premature translational stop signal (p.Ala16Argfs*164) in the CYP27A1 gene. It is expected to result in an absent or disrupted protein product. Loss-of-function variants in CYP27A1 are known to be pathogenic (PMID: 9392430, 10775536, 26937392). This variant is not present in population databases (gnomAD no frequency). This premature translational stop signal has been observed in individual(s) with clinical features of cerebrotendinous xanthomatosis (PMID: 27680221). This variant is also known as c.43_44delGG. For these reasons, this variant has been classified as Pathogenic.

Literature cited by the submitters: PubMed 9392430; PubMed 10775536; PubMed 26937392; PubMed 27680221.

NM_000784.4(CYP27A1):c.45_46del (p.Ala16fs)

Gene: CYP27A1 (cytochrome P450 family 27 subfamily A member 1; plus strand). Cytogenetic location: 2q35.
Variant type: Deletion.
Coding change: c.45_46del on transcript NM_000784.4 (MANE Select); coding-DNA positions 45 to 46, 2 bases deleted (GG; older notation c.45_46delGG).
Protein change: p.Ala16fs; shifts the reading frame from alanine 16.
Molecular consequence: frameshift variant.
Genome position (GRCh38, 1-based): chr2:218,782,227-218,782,228, GG deleted; deleting any 2 consecutive bases within chr2:218,782,225-218,782,228 gives the same sequence; the c. name uses the placement nearest the transcript's 3' end. VCF-style (leftmost placement, unchanged base first): chr2-218782224-AGG-A. GRCh37 (hg19) VCF-style: chr2-219646947-AGG-A.
Other names: short protein forms A16fs.
Identifiers: ClinVar variation 1457639 (VCV001457639.8), dbSNP rs1413976755, ClinGen allele CA1328916130.